The following is an entry in ClinVar:

ClinVar aggregate classification (germline): Likely benign. Review status: criteria provided, multiple submitters, no conflicts (2 of 4 stars). 3 submissions from 3 submitters: Likely benign (2). 1 of the submissions does not count toward it. Last evaluated 2024-09-02.

Conditions:
ZFHX3-related disorder. Also called: ZFHX3-related condition.

Allele frequency attached by ClinVar (database versions not stated): TOPMed 0.00087; 1000 Genomes Project 0.00180; 1000 Genomes Project 30x 0.00219.
gnomAD v4.1: 290 of 1,614,120 alleles (0.018%); highest among the groups gnomAD compares: African/African-American, 0.33%; 1 homozygote.

Submissions (3):

Blueprint Genetics
Classification: Likely benign. Last evaluated: 2024-09-02. Review status: criteria provided, single submitter. Criteria: ACMG Guidelines, 2015. Collection method: clinical testing. Allele origin: germline.

CeGaT Center for Human Genetics Tuebingen
Classification: Likely benign. Last evaluated: 2023-04-01. Review status: criteria provided, single submitter. Criteria: CeGaT Center For Human Genetics Tuebingen Variant Classification Criteria Version 2. Collection method: clinical testing. Allele origin: germline. Affected: yes. Observed: 1 variant allele.
Comment: ZFHX3: BP4, BP7

PreventionGenetics, part of Exact Sciences
Classification: Likely benign for ZFHX3-related condition. Last evaluated: 2019-06-26. Review status: no assertion criteria provided. Collection method: clinical testing. Allele origin: germline. Not counted in ClinVar's aggregate classification.
Comment: This variant is classified as likely benign based on ACMG/AMP sequence variant interpretation guidelines (Richards et al. 2015 PMID: 25741868, with internal and published modifications).

NM_006885.4(ZFHX3):c.1314G>A (p.Ala438=)

Gene: ZFHX3 (zinc finger homeobox 3; minus strand). Cytogenetic location: 16q22.3.
Variant type: single nucleotide variant.
Coding change: c.1314G>A on transcript NM_006885.4 (MANE Select); coding-DNA position 1314, G replaced by A.
Protein change: p.Ala438=; no amino-acid change (alanine 438 retained).
Molecular consequence: synonymous variant. On other transcripts: intron variant (1).
Genome position (GRCh38, 1-based): chr16:72,958,832, C>T on the plus strand (G>A on the coding strand, the complement: ZFHX3 is on the minus strand). VCF-style: chr16-72958832-C-T. GRCh37 (hg19) VCF-style: chr16-72992731-C-T.
Other names: c.1314G>A, p.Ala438= (NM_001386735.1); c.-23-7867G>A (NM_001164766.2); c.1314G>A (NM_006885.3).
Identifiers: ClinVar variation 2646847 (VCV002646847.26), dbSNP rs8046150, ClinGen allele CA8164768.